The following is an entry in ClinVar:

ClinVar aggregate classification (germline): Uncertain significance (1 of 4 stars; one submission).

gnomAD v4.1: 1 of 1,613,506 alleles (0.000062%); highest among the groups gnomAD compares: Non-Finnish European, 0.000085%; no homozygotes.

Submission:

Labcorp Genetics (formerly Invitae), Labcorp
Classification: Uncertain significance. Last evaluated: 2022-04-12. Review status: criteria provided, single submitter. Criteria: Invitae Variant Classification Sherloc (09022015). Collection method: clinical testing. Allele origin: germline.
Comment: In summary, the available evidence is currently insufficient to determine the role of this variant in disease. Therefore, it has been classified as a Variant of Uncertain Significance. Algorithms developed to predict the effect of missense changes on protein structure and function (SIFT, PolyPhen-2, Align-GVGD) all suggest that this variant is likely to be tolerated. This variant has not been reported in the literature in individuals affected with VPS13C-related conditions. This variant is not present in population databases (gnomAD no frequency). This sequence change replaces lysine, which is basic and polar, with asparagine, which is neutral and polar, at codon 1568 of the VPS13C protein (p.Lys1568Asn).

NM_020821.3(VPS13C):c.4704G>T (p.Lys1568Asn)

Gene: VPS13C (vacuolar protein sorting 13 homolog C; minus strand). Cytogenetic location: 15q22.2.
Variant type: single nucleotide variant.
Coding change: c.4704G>T on transcript NM_020821.3 (MANE Select); coding-DNA position 4704, G replaced by T.
Protein change: p.Lys1568Asn; replaces lysine 1568 with asparagine.
Molecular consequence: missense variant.
Genome position (GRCh38, 1-based): chr15:61,949,498, C>A on the plus strand (G>T on the coding strand, the complement: VPS13C is on the minus strand). VCF-style: chr15-61949498-C-A. GRCh37 (hg19) VCF-style: chr15-62241697-C-A.
Other names: c.4704G>T, p.Lys1568Asn (NM_001018088.3); c.4575G>T, p.Lys1525Asn (NM_017684.5, NM_018080.4); short protein forms K1525N, K1568N.
Identifiers: ClinVar variation 2125427 (VCV002125427.4), dbSNP rs2547949406, ClinGen allele CA392693474.